The following is an entry in ClinVar:

ClinVar aggregate classification (germline): Uncertain significance (1 of 4 stars; one submission).

Submission:

Ambry Genetics
Classification: Uncertain significance. Last evaluated: 2025-08-03. Review status: criteria provided, single submitter. Criteria: Ambry Variant Classification Scheme 2023. Collection method: clinical testing. Allele origin: germline.
Comment: The p.Q240H variant (also known as c.720G>T), located in coding exon 8 of the RASA2 gene, results from a G to T substitution at nucleotide position 720. The glutamine at codon 240 is replaced by histidine, an amino acid with highly similar properties. This amino acid position is conserved. In addition, this alteration is predicted to be tolerated by in silico analysis. Based on the available evidence, the clinical significance of this variant remains unclear.

NM_006506.5(RASA2):c.720G>T (p.Gln240His)

Gene: RASA2 (RAS p21 protein activator 2; plus strand). Cytogenetic location: 3q23.
Variant type: single nucleotide variant.
Coding change: c.720G>T on transcript NM_006506.5 (MANE Select); coding-DNA position 720, G replaced by T.
Protein change: p.Gln240His; replaces glutamine 240 with histidine.
Molecular consequence: missense variant.
Genome position (GRCh38, 1-based): chr3:141,558,921, G>T. VCF-style: chr3-141558921-G-T. GRCh37 (hg19) VCF-style: chr3-141277763-G-T.
Other names: c.720G>T, p.Gln240His (NM_001303245.3, NM_001303246.3); short protein forms Q240H.
Identifiers: ClinVar variation 4150734 (VCV004150734.1).